The following is an entry in ClinVar:

ClinVar aggregate classification (germline): Pathogenic (1 of 4 stars; one submission).

Submission:

Labcorp Genetics (formerly Invitae), Labcorp
Classification: Pathogenic. Last evaluated: 2025-03-17. Review status: criteria provided, single submitter. Criteria: Invitae Variant Classification Sherloc (09022015). Collection method: clinical testing. Allele origin: germline.
Comment: This sequence change creates a premature translational stop signal (p.Asn566Argfs*19) in the CHM gene. While this is not anticipated to result in nonsense mediated decay, it is expected to disrupt the last 88 amino acid(s) of the CHM protein. This variant is not present in population databases (gnomAD no frequency). This premature translational stop signal has been observed in individual(s) with choroideremia (PMID: 27247961). This variant disrupts a region of the CHM protein in which other variant(s) (p.Glu592Valfs*44) have been determined to be pathogenic (internal data). This suggests that this is a clinically significant region of the protein, and that variants that disrupt it are likely to be disease-causing. For these reasons, this variant has been classified as Pathogenic.

Literature cited by the submitters: PubMed 27247961.

NM_000390.4(CHM):c.1697_1698del (p.Asn566fs)

Gene: CHM (CHM Rab escort protein; minus strand). Cytogenetic location: Xq21.2.
Variant type: Deletion.
Coding change: c.1697_1698del on transcript NM_000390.4 (MANE Select); coding-DNA positions 1697 to 1698, 2 bases deleted (AT; older notation c.1697_1698delAT).
Protein change: p.Asn566fs; shifts the reading frame from asparagine 566.
Molecular consequence: frameshift variant.
Genome position (GRCh38, 1-based): chrX:85,873,124-85,873,125, AT deleted on the plus strand (AT on the coding strand, the reverse complement: CHM is on the minus strand). VCF-style (leftmost placement, unchanged base first): chrX-85873123-CAT-C. GRCh37 (hg19) VCF-style: chrX-85128128-CAT-C.
Other names: c.1253_1254del, p.Asn418fs (NM_001320959.1, NM_001362517.1, NM_001362518.2 and 1 more transcripts); short protein forms N418fs, N566fs.
Identifiers: ClinVar variation 3724286 (VCV003724286.2).